The following is an entry in ClinVar:

ClinVar aggregate classification (germline): Pathogenic (1 of 4 stars; one submission).

Conditions:
Neurodevelopmental disorder. Identifiers: MedGen C1535926, MeSH D065886, MONDO:0700092.

Submission:

Laboratory of Molecular Genetics (Pr. Bezieau's lab), CHU de Nantes
Classification: Pathogenic for Neurodevelopmental disorder. Last evaluated: 2026-05-27. Review status: criteria provided, single submitter. Criteria: ACMG Guidelines, 2015. Collection method: clinical testing. Allele origin: de novo. Inheritance: Autosomal dominant inheritance. Affected: yes. Observed: 1 variant allele, 1 heterozygote.
Comment: Evidence for loss of function/haploinsufficiency being pathogenic in PMID: 41415500. ACMG criteria: PVS1, PS2, PM2. Protein change: p.(Arg306Alafs*37).

Literature cited by the submitters: PubMed 41415500.

NM_006196.4(PCBP1):c.916del (p.Arg306fs)

Genes: PCBP1 (poly(rC) binding protein 1; plus strand), LOC106783504 (conserved acetylation island sequence C15 enhancer; plus strand). Cytogenetic location: 2p13.3.
Variant type: Deletion.
Coding change: c.916del on transcript NM_006196.4 (MANE Select); coding-DNA position 916, one base deleted (C; older notation c.916delC).
Protein change: p.Arg306fs; shifts the reading frame from arginine 306.
Molecular consequence: frameshift variant.
Genome position (GRCh38, 1-based): chr2:70,088,659, C deleted; the last of 2 consecutive C bases (chr2:70,088,658-70,088,659); deleting either gives the same sequence. VCF-style (leftmost placement, unchanged base first): chr2-70088657-TC-T. GRCh37 (hg19) VCF-style: chr2-70315789-TC-T.
Other names: short protein forms R306fs.
Identifiers: ClinVar variation 4852564 (VCV004852564.1).
Genomic context (GRCh38, chr2:70,088,657, plus strand): 5'-CCATTCCAAATAACTTAATTGGCTGCATAATCGGGCGCCAAGGCGCCAACATTAATGAGA[TC>T]CGCCAGATGTCCGGGGCCCAGATCAAAATTGCCAACCCAGTGGAAGGCTCCTCTGGTAGG-3'